The following is an entry in ClinVar:

NM_006268.5(DPF2):c.729C>T (p.Asp243=)

Gene: DPF2 (double PHD fingers 2; plus strand). Cytogenetic location: 11q13.1.
Variant type: single nucleotide variant.
Coding change: c.729C>T on transcript NM_006268.5 (MANE Select); coding-DNA position 729, C replaced by T.
Protein change: p.Asp243=; no amino-acid change (aspartic acid 243 retained).
Molecular consequence: synonymous variant.
Genome position (GRCh38, 1-based): chr11:65,345,757, C>T. VCF-style: chr11-65345757-C-T. GRCh37 (hg19) VCF-style: chr11-65113228-C-T.
Other names: c.771C>T, p.Asp257= (NM_001330308.2).
Identifiers: ClinVar variation 1675460 (VCV001675460.33), dbSNP rs2137703252, ClinGen allele CA381253855.
Genomic context (GRCh38, chr11:65,345,757, plus strand): 5'-CCTCAGTTACCACTATGCCCACTCCCACTTGGCTGAGGAGGAGGGCGAGGACAAGGAAGA[C>T]TCTCAACCACCCACTCCTGTTTCCCAGAGGTCTGAGGAGCAGAAATGTAAGCTGAGGTGT-3'
Protein context (NP_006259.1, residues 233-253): LAEEEGEDKE[Asp243=]SQPPTPVSQR

ClinVar aggregate classification (germline): Uncertain significance (1 of 4 stars; one submission).

Submission:

CeGaT Center for Human Genetics Tuebingen
Classification: Uncertain significance. Last evaluated: 2022-03-01. Review status: criteria provided, single submitter. Criteria: CeGaT Center For Human Genetics Tuebingen Variant Classification Criteria Version 2. Collection method: clinical testing. Allele origin: germline. Affected: yes. Observed: 1 variant allele.
Comment: DPF2: PM2:Supporting, BP4